The following is an entry in ClinVar:

NM_000053.4(ATP7B):c.2593A>T (p.Thr865Ser)

Gene: ATP7B (ATPase copper transporting beta; minus strand). Cytogenetic location: 13q14.3.
Variant type: single nucleotide variant.
Coding change: c.2593A>T on transcript NM_000053.4 (MANE Select); coding-DNA position 2593, A replaced by T.
Protein change: p.Thr865Ser; replaces threonine 865 with serine.
Molecular consequence: missense variant.
Genome position (GRCh38, 1-based): chr13:51,950,144, T>A on the plus strand (A>T on the coding strand, the complement: ATP7B is on the minus strand). VCF-style: chr13-51950144-T-A. GRCh37 (hg19) VCF-style: chr13-52524280-T-A.
Other names: c.2107A>T, p.Thr703Ser (NM_001406542.1, NM_001406546.1, NM_001005918.3 and 1 more transcripts); c.2245A>T, p.Thr749Ser (NM_001406543.1); c.2011A>T, p.Thr671Ser (NM_001406544.1); c.1945A>T, p.Thr649Ser (NM_001406545.1, NM_001406547.1); c.1303A>T, p.Thr435Ser (NM_001406548.1); c.2260A>T, p.Thr754Ser (NM_001243182.2); c.2359A>T, p.Thr787Ser (NM_001330578.2, NM_001406527.1, NM_001406528.1 and 2 more transcripts); c.2341A>T, p.Thr781Ser (NM_001330579.2, NM_001406531.1, NM_001406532.1 and 1 more transcripts); and 8 more; short protein forms T435S, T649S, T671S, T703S, T722S, T749S, T754S, T755S.
Identifiers: ClinVar variation 4757244 (VCV004757244.1).

ClinVar aggregate classification (germline): Uncertain significance (1 of 4 stars; one submission).

Conditions:
Wilson disease (WND). Also called: Wilson's disease. Identifiers: Orphanet 905, MedGen C0019202, MONDO:0010200, OMIM 277900. Disease mechanism: loss of function.

Submission:

Color Diagnostics, LLC DBA Color Health
Classification: Uncertain significance for Wilson disease. Last evaluated: 2025-06-09. Review status: criteria provided, single submitter. Criteria: ACMG Guidelines, 2015. Collection method: clinical testing. Allele origin: germline.
Comment: This missense variant replaces threonine with serine at codon 865 of the ATP7B protein. Computational prediction suggests that this variant may not impact protein structure and function. To our knowledge, functional studies have not been reported for this variant. This variant has not been reported in individuals affected with ATP7B-related disorders in the literature. This variant has not been identified in the general population by the Genome Aggregation Database (gnomAD). The available evidence is insufficient to determine the role of this variant in disease conclusively. Therefore, this variant is classified as a Variant of Uncertain Significance.